The following is an entry in ClinVar:

NM_003036.4(SKI):c.523G>C (p.Gly175Arg)

Gene: SKI (SKI proto-oncogene; plus strand). Cytogenetic location: 1p36.33.
Variant type: single nucleotide variant.
Coding change: c.523G>C on transcript NM_003036.4 (MANE Select); coding-DNA position 523, G replaced by C.
Protein change: p.Gly175Arg; replaces glycine 175 with arginine.
Molecular consequence: missense variant.
Genome position (GRCh38, 1-based): chr1:2,229,289, G>C. VCF-style: chr1-2229289-G-C. GRCh37 (hg19) VCF-style: chr1-2160728-G-C.
Other names: short protein forms G175R.
Identifiers: ClinVar variation 4975807 (VCV004975807.1).
Genomic context (GRCh38, chr1:2,229,289, plus strand): 5'-GCCGACCAGCTGGAGATCCTCAAAGTCATGGGCATCCTGCCCTTCTCGGCGCCCTCGTGC[G>C]GGCTCATCACCAAGACGGACGCCGAGCGCCTGTGCAACGCGCTGCTCTACGGCGGCGCCT-3'
Protein context (NP_003027.1, residues 165-185): GILPFSAPSC[Gly175Arg]LITKTDAERL

ClinVar aggregate classification (germline): Uncertain significance (1 of 4 stars; one submission).

Submission:

GeneDx
Classification: Uncertain significance. Last evaluated: 2026-01-28. Review status: criteria provided, single submitter. Criteria: GeneDx Variant Classification Process June 2021. Collection method: clinical testing. Allele origin: germline.
Comment: Not observed at significant frequency in large population cohorts (gnomAD); In silico analysis supports that this missense variant has a deleterious effect on protein structure/function; Has not been previously published as pathogenic or benign to our knowledge